The following is an entry in ClinVar:

NM_000548.5(TSC2):c.1720A>G (p.Lys574Glu)

Gene: TSC2 (TSC complex subunit 2; plus strand). Cytogenetic location: 16p13.3.
Variant type: single nucleotide variant.
Coding change: c.1720A>G on transcript NM_000548.5 (MANE Select); coding-DNA position 1720, A replaced by G.
Protein change: p.Lys574Glu; replaces lysine 574 with glutamic acid.
Molecular consequence: missense variant.
Genome position (GRCh38, 1-based): chr16:2,070,459, A>G. VCF-style: chr16-2070459-A-G. GRCh37 (hg19) VCF-style: chr16-2120460-A-G.
Other names: c.1720A>G (NM_000548.3); c.1720A>G, p.Lys574Glu (NM_001077183.3, NM_001114382.3, NM_001363528.2 and 3 more transcripts); c.1609A>G, p.Lys537Glu (NM_001318827.2); c.1573A>G, p.Lys525Glu (NM_001318829.2); c.1120A>G, p.Lys374Glu (NM_001318831.2); c.1753A>G, p.Lys585Glu (NM_001318832.2); short protein forms K525E, K537E, K574E, K585E, K374E.
Identifiers: ClinVar variation 1408304 (VCV001408304.10), dbSNP rs2088115626, ClinGen allele CA394272642.

ClinVar aggregate classification (germline): Uncertain significance. Review status: criteria provided, multiple submitters, no conflicts (2 of 4 stars). 2 submissions from 2 submitters: Uncertain significance (2). Last evaluated 2026-07-09.

Conditions:
Hereditary cancer-predisposing syndrome. Also called: Hereditary Cancer Syndrome; Neoplastic Syndromes, Hereditary; Hereditary neoplastic syndrome; Tumor predisposition. Identifiers: Orphanet 140162, MedGen C0027672, MeSH D009386, MONDO:0015356.
Tuberous sclerosis 2 (TSC2). Identifiers: Orphanet 805, MedGen C1860707, MONDO:0013199, OMIM 613254.

Submissions (2):

Ambry Genetics
Classification: Uncertain significance for Hereditary cancer-predisposing syndrome. Last evaluated: 2026-07-09. Review status: criteria provided, single submitter. Criteria: Ambry Variant Classification Scheme 2023. Collection method: clinical testing. Allele origin: germline.
Comment: The p.K574E variant (also known as c.1720A>G), located in coding exon 16 of the TSC2 gene, results from an A to G substitution at nucleotide position 1720. The lysine at codon 574 is replaced by glutamic acid, an amino acid with similar properties. This amino acid position is conserved. In addition, this alteration is predicted to be deleterious by in silico analysis. Based on the available evidence, the clinical significance of this variant remains unclear.

Labcorp Genetics (formerly Invitae), Labcorp
Classification: Uncertain significance for Tuberous sclerosis 2. Last evaluated: 2025-08-23. Review status: criteria provided, single submitter. Criteria: Invitae Variant Classification Sherloc (09022015). Collection method: clinical testing. Allele origin: germline.
Comment: This sequence change replaces lysine, which is basic and polar, with glutamic acid, which is acidic and polar, at codon 574 of the TSC2 protein (p.Lys574Glu). This variant is not present in population databases (gnomAD no frequency). This variant has not been reported in the literature in individuals affected with TSC2-related conditions. ClinVar contains an entry for this variant (Variation ID: 1408304). Invitae Evidence Modeling of protein sequence and biophysical properties (such as structural, functional, and spatial information, amino acid conservation, physicochemical variation, residue mobility, and thermodynamic stability) has been performed for this missense variant. However, the output from this modeling did not meet the statistical confidence thresholds required to predict the impact of this variant on TSC2 protein function. In summary, the available evidence is currently insufficient to determine the role of this variant in disease. Therefore, it has been classified as a Variant of Uncertain Significance.